The following is an entry in ClinVar:

ClinVar aggregate classification (germline): Pathogenic (1 of 4 stars; one submission).

Conditions:
Primary ciliary dyskinesia. Also called: Ciliary dyskinesia. Identifiers: Orphanet 244, MedGen C0008780, MONDO:0016575, HP:0012265.

Submission:

Department of Human Genetics, Hannover Medical School
Classification: Pathogenic for Primary Ciliary Dyskinesia. Last evaluated: 2026-04-01. Review status: criteria provided, single submitter. Criteria: ACMG Guidelines, 2015. Collection method: research. Allele origin: germline. Affected: no.
Comment: Classification performed by HerediClassify using the following criteria:['PM2_supporting: Variant occures does not occur as homozygous in gnomAD.', 'PVS1_protein_very_strong: Transcript ENST00000393567 is predicted to undergo NMD.', "PP4_moderate: The modified PICADAR socre of 4.0 exceeds threshold of 3 achieving 'moderate' evidence strength."]

NM_001270974.2(HYDIN):c.1015C>T (p.Gln339Ter)

Gene: HYDIN (HYDIN axonemal central pair apparatus protein; minus strand). Cytogenetic location: 16q22.2.
Variant type: single nucleotide variant.
Coding change: c.1015C>T on transcript NM_001270974.2 (MANE Select); coding-DNA position 1015, C replaced by T.
Protein change: p.Gln339Ter; replaces glutamine 339 with a stop codon.
Molecular consequence: nonsense.
Genome position (GRCh38, 1-based): chr16:71,137,179, G>A on the plus strand (C>T on the coding strand, the complement: HYDIN is on the minus strand). VCF-style: chr16-71137179-G-A. GRCh37 (hg19) VCF-style: chr16-71171082-G-A.
Other names: c.1096C>T, p.Gln366Ter (NM_001198542.1); c.1066C>T, p.Gln356Ter (NM_001198543.1); c.1015C>T, p.Gln339Ter (NM_017558.5); short protein forms Q339*, Q356*, Q366*.
Identifiers: ClinVar variation 4880114 (VCV004880114.1).
Genomic context (GRCh38, chr16:71,137,179, plus strand): 5'-ATTACTGCATATAGGTGATTTTTGTTACAGACCTATATTTTTCTCTGTCCTCTTCTTGCT[G>A]GGTAGCAAATACCTTCCACAGGAAATGGGCAATGATATTACTGCGATTGTGAATGGTTAT-3'